The following is an entry in ClinVar:

NM_006087.4(TUBB4A):c.845G>C (p.Arg282Pro)

Gene: TUBB4A (tubulin beta 4A class IVa; minus strand). Cytogenetic location: 19p13.3.
Variant type: single nucleotide variant.
Coding change: c.845G>C on transcript NM_006087.4 (MANE Select); coding-DNA position 845, G replaced by C.
Protein change: p.Arg282Pro; replaces arginine 282 with proline.
Molecular consequence: missense variant.
Genome position (GRCh38, 1-based): chr19:6,495,654, C>G on the plus strand (G>C on the coding strand, the complement: TUBB4A is on the minus strand). VCF-style: chr19-6495654-C-G. GRCh37 (hg19) VCF-style: chr19-6495665-C-G.
Other names: c.998G>C, p.Arg333Pro (NM_001289123.2); c.980G>C, p.Arg327Pro (NM_001289127.2); c.845G>C, p.Arg282Pro (NM_001289129.2); c.629G>C, p.Arg210Pro (NM_001289130.2, NM_001289131.2); short protein forms R333P, R282P, R327P, R210P.
Identifiers: ClinVar variation 267779 (VCV000267779.3), dbSNP rs756762431, ClinGen allele CA10602630.
Genomic context (GRCh38, chr19:6,495,654, plus strand): 5'-GCCGCCATCATGTTCTTGGCATCGAACATCTGCTGGGTGAGCTCGGGCACCGTCAGGGCC[C>G]GGTACTGCTGGCTGCCCCGGCTGGTCAGGGGTGCGAAGCCGGGCATGAAGAAGTGCAGGC-3'
Protein context (NP_006078.2, residues 272-292): PLTSRGSQQY[Arg282Pro]ALTVPELTQQ

ClinVar aggregate classification (germline): Likely pathogenic. Review status: criteria provided, single submitter (1 of 4 stars). 2 submissions from 2 submitters: Likely pathogenic (1). 1 of the submissions does not count toward it.

Conditions:
Leukodystrophy, hypomyelinating, 6. Also called: TUBB4A-Associated Leukodystrophy; LEUKODYSTROPHY, HYPOMYELINATING, WITH ATROPHY OF THE BASAL GANGLIA AND CEREBELLUM; Hypomyelination with Atrophy of Basal Ganglia and Cerebellum (H-ABC). Identifiers: Orphanet 139441, MedGen C2676244, MONDO:0012905, OMIM 612438.
Torsion dystonia 4. Also called: DYT-TUBB4A (Autosomal Dominant Torsion Dystonia); DYSTONIA MUSCULORUM DEFORMANS 4. Identifiers: Orphanet 98805, MedGen C1851943, MONDO:0007493, OMIM 128101.

Submissions (2):

Juno Genomics, Hangzhou Juno Genomics, Inc
Classification: Likely pathogenic for Torsion dystonia 4; Leukodystrophy, hypomyelinating, 6. Review status: criteria provided, single submitter. Criteria: ACMG Guidelines, 2015. Collection method: clinical testing. Allele origin: germline. Affected: yes.
Comment: Absent from controls (or at extremely low frequency if recessive) in Genome Aggregation Database.;Multiple lines of computational evidence support a deleterious effect on the gene or gene product.;Missense variant in a gene that has a low rate of benign missense variation.;Patient's phenotype or family history is highly specific for a disease with a single genetic etiology.

GeneReviews
No classification provided. Condition: Leukodystrophy, hypomyelinating, 6. Review status: no classification provided. Collection method: literature only. Allele origin: germline. Affected: yes. Not counted in ClinVar's aggregate classification.

Literature cited by the submitters: PubMed 25085639 (cited by GeneReviews); NCBI Bookshelf NBK395611 (cited by GeneReviews).